The following is an entry in ClinVar:

NM_001372.4(DNAH9):c.6148G>A (p.Val2050Met)

Gene: DNAH9 (dynein axonemal heavy chain 9; plus strand). Cytogenetic location: 17p12.
Variant type: single nucleotide variant.
Coding change: c.6148G>A on transcript NM_001372.4 (MANE Select); coding-DNA position 6148, G replaced by A.
Protein change: p.Val2050Met; replaces valine 2050 with methionine.
Molecular consequence: missense variant.
Genome position (GRCh38, 1-based): chr17:11,744,833, G>A. VCF-style: chr17-11744833-G-A. GRCh37 (hg19) VCF-style: chr17-11648150-G-A.
Other names: short protein forms V2050M.
Identifiers: ClinVar variation 4280092 (VCV004280092.1).
Genomic context (GRCh38, chr17:11,744,833, plus strand): 5'-ACTTTGATCTAACACTGCCCACAGGATCACTACGACTGGGGCCTACGGGCCATCAAGTCC[G>A]TGCTGGTGGTGGCAGGATCCCTGAAGAGAGGAGACCCTGACCGGCCTGAGGACCAGGTCC-3'
Protein context (NP_001363.2, residues 2040-2060): YDWGLRAIKS[Val2050Met]LVVAGSLKRG

ClinVar aggregate classification (germline): Uncertain significance (1 of 4 stars; one submission).

Conditions:
Ciliary dyskinesia, primary, 40. Also called: CILIARY DYSKINESIA, PRIMARY, 40, WITH OR WITHOUT SITUS INVERSUS. Identifiers: MedGen C4749028, MONDO:0032664, OMIM 618300.

gnomAD v4.1: 124 of 1,614,082 alleles (0.0077%); highest among the groups gnomAD compares: East Asian, 0.2%; no homozygotes.

Submission:

Johns Hopkins Genomics, Johns Hopkins University
Classification: Uncertain significance for Ciliary dyskinesia, primary, 40. Last evaluated: 2025-06-11. Review status: criteria provided, single submitter. Criteria: ACMG Guidelines, 2015. Collection method: clinical testing. Allele origin: germline.
Comment: This DNA9 missense variant (rs191995793) is rare (<0.1%) in a large population dataset (gnomADv4.1.0: 124/1614082 total alleles; 0.0077%; no homozygotes). It has not been reported in ClinVar nor in the literature in individuals diagnosed with primary ciliary dyskinesia, to our knowledge. Three bioinformatics tools queried predict that this substitution would be damaging and the valine residue at this position is evolutionarily conserved across all of the species assessed. We consider the clinical significance of DNAH9 c.6148G>A to be uncertain at this time.

Literature cited by the submitters: PubMed 30471718.